The following is an entry in ClinVar:

NM_001256545.2(MEGF10):c.1130+141G>A

Gene: MEGF10 (multiple EGF like domains 10; plus strand). Cytogenetic location: 5q23.2.
Variant type: single nucleotide variant.
Coding change: c.1130+141G>A on transcript NM_001256545.2 (MANE Select); 141 bases into the intron after coding-DNA position 1130, G replaced by A.
Molecular consequence: intron variant.
Genome position (GRCh38, 1-based): chr5:127,410,742, G>A. VCF-style: chr5-127410742-G-A. GRCh37 (hg19) VCF-style: chr5-126746434-G-A.
Other names: NC_000005.9:g.126746434G>A; c.1130+141G>A (NM_032446.3, NM_001308119.2, NM_001308121.2).
Identifiers: ClinVar variation 683183 (VCV000683183.2), dbSNP rs3851469, ClinGen allele CA12062982.
Genomic context (GRCh38, chr5:127,410,742, plus strand): 5'-TAGAGTGATTCTCACCCCAAGCCCCCTCCTGCCTCTAGGCTACTCTGGGCAGGAATCGCC[G>A]AGTAAAAGGAAGACATTTTAACTTAATGTGTGATGGTCTACATTTGAGGTGCTAAAATTG-3'

ClinVar aggregate classification (germline): Benign (1 of 4 stars; one submission).

Allele frequency attached by ClinVar (database versions not stated): 1000 Genomes Project 30x 0.22220; gnomAD exomes 0.17887; TOPMed 0.21838; gnomAD 0.22153 and 0.22488; 1000 Genomes Project 0.22264.
gnomAD v4.1: 133,102 of 707,654 alleles (19%); highest among the groups gnomAD compares: African/African-American, 33%; 13,588 homozygotes.

Submissions (2):

GeneDx
Classification: Benign. Last evaluated: 2018-06-14. Review status: criteria provided, single submitter. Criteria: GeneDx Variant Classification (06012015). Collection method: clinical testing. Allele origin: germline. Affected: yes.
Comment: This variant is considered likely benign or benign based on one or more of the following criteria: it is a conservative change, it occurs at a poorly conserved position in the protein, it is predicted to be benign by multiple in silico algorithms, and/or has population frequency not consistent with disease.

Dr. Peter K. Rogan Lab, Western University
No classification provided (evidence only). Condition: Lung cancer. Review status: no classification provided. Collection method: in vitro. Allele origin: not applicable. Functional consequence: retained intron. Not counted in ClinVar's aggregate classification.